The following is an entry in ClinVar:

ClinVar aggregate classification (germline): Uncertain significance. Review status: criteria provided, multiple submitters, no conflicts (2 of 4 stars). 2 submissions from 2 submitters: Uncertain significance (2). Last evaluated 2024-03-06.

Conditions:
Hereditary cancer-predisposing syndrome. Also called: Tumor predisposition; Hereditary Cancer Syndrome; Neoplastic Syndromes, Hereditary; Hereditary neoplastic syndrome. Identifiers: Orphanet 140162, MedGen C0027672, MeSH D009386, MONDO:0015356.

Submissions (2):

Color Diagnostics, LLC DBA Color Health
Classification: Uncertain significance for Hereditary cancer-predisposing syndrome. Last evaluated: 2024-03-06. Review status: criteria provided, single submitter. Criteria: ACMG Guidelines, 2015. Collection method: clinical testing. Allele origin: germline.
Comment: This missense variant replaces serine with threonine at codon 19 of the CHEK2 protein. Computational prediction suggests that this variant may not impact protein structure and function (internally defined REVEL score threshold <= 0.5, PMID: 27666373). To our knowledge, functional studies have not been reported for this variant. This variant has not been reported in individuals affected with hereditary cancer in the literature. This variant has not been identified in the general population by the Genome Aggregation Database (gnomAD). The available evidence is insufficient to determine the role of this variant in disease conclusively. Therefore, this variant is classified as a Variant of Uncertain Significance.

Ambry Genetics
Classification: Uncertain significance for Hereditary cancer-predisposing syndrome. Last evaluated: 2023-06-01. Review status: criteria provided, single submitter. Criteria: Ambry Variant Classification Scheme 2023. Collection method: clinical testing. Allele origin: germline.
Comment: The p.S19T variant (also known as c.55T>A), located in coding exon 1 of the CHEK2 gene, results from a T to A substitution at nucleotide position 55. The serine at codon 19 is replaced by threonine, an amino acid with similar properties. This amino acid position is not well conserved in available vertebrate species. In addition, the in silico prediction for this alteration is inconclusive. Since supporting evidence is limited at this time, the clinical significance of this alteration remains unclear.

NM_007194.4(CHEK2):c.55T>A (p.Ser19Thr)

Gene: CHEK2 (checkpoint kinase 2; minus strand). Cytogenetic location: 22q12.1.
Variant type: single nucleotide variant.
Coding change: c.55T>A on transcript NM_007194.4 (MANE Select); coding-DNA position 55, T replaced by A.
Protein change: p.Ser19Thr; replaces serine 19 with threonine.
Molecular consequence: missense variant.
Genome position (GRCh38, 1-based): chr22:28,734,667, A>T on the plus strand (T>A on the coding strand, the complement: CHEK2 is on the minus strand). VCF-style: chr22-28734667-A-T. GRCh37 (hg19) VCF-style: chr22-29130655-A-T.
Other names: c.55T>A, p.Ser19Thr (NM_001005735.3, NM_001349956.3, NM_145862.3); c.-723T>A (NM_001257387.3); short protein forms S19T.
Identifiers: ClinVar variation 1332201 (VCV001332201.5), dbSNP rs2146154587, ClinGen allele CA411091838.
Genomic context (GRCh38, chr22:28,734,667, plus strand): 5'-ATATGCCCTGGGACTGTGAGGAGGAGCCTTGGGACTGGGTAACGCTGCCATGGGGCTGTG[A>T]ACAGGCACTGCTGCCATGAGACTGCTGAGCCTCAACATCCGACTCCCGAGACATCACGAC-3'
Protein context (NP_009125.1, residues 9-29): AQQSHGSSAC[Ser19Thr]QPHGSVTQSQ